The following is an entry in ClinVar:

NM_016938.5(EFEMP2):c.632C>A (p.Ala211Asp)

Gene: EFEMP2 (EGF containing fibulin extracellular matrix protein 2; minus strand). Cytogenetic location: 11q13.1.
Variant type: single nucleotide variant.
Coding change: c.632C>A on transcript NM_016938.5 (MANE Select); coding-DNA position 632, C replaced by A.
Protein change: p.Ala211Asp; replaces alanine 211 with aspartic acid.
Molecular consequence: missense variant. On other transcripts: non-coding transcript variant (1).
Genome position (GRCh38, 1-based): chr11:65,869,952, G>T on the plus strand (C>A on the coding strand, the complement: EFEMP2 is on the minus strand). VCF-style: chr11-65869952-G-T. GRCh37 (hg19) VCF-style: chr11-65637423-G-T.
Other names: short protein forms A211D.
Identifiers: ClinVar variation 3226936 (VCV003226936.1), dbSNP rs909532777, ClinGen allele CA224017219.

ClinVar aggregate classification (germline): Uncertain significance (1 of 4 stars; one submission).

Conditions:
Cardiovascular phenotype. Identifiers: MedGen CN230736.

Allele frequency attached by ClinVar (database versions not stated): TOPMed below 0.00001.

Submission:

Ambry Genetics
Classification: Uncertain significance for Cardiovascular phenotype. Last evaluated: 2024-01-17. Review status: criteria provided, single submitter. Criteria: Ambry Variant Classification Scheme 2023. Collection method: clinical testing. Allele origin: germline.
Comment: The p.A211D variant (also known as c.632C>A), located in coding exon 6 of the EFEMP2 gene, results from a C to A substitution at nucleotide position 632. The alanine at codon 211 is replaced by aspartic acid, an amino acid with dissimilar properties. This amino acid position is conserved. In addition, the in silico prediction for this alteration is inconclusive. Based on the available evidence, the clinical significance of this alteration remains unclear.